The following is an entry in ClinVar:

ClinVar aggregate classification (germline): Uncertain significance. Review status: criteria provided, multiple submitters, no conflicts (2 of 4 stars). 2 submissions from 2 submitters: Uncertain significance (2). Last evaluated 2025-03-20.

Conditions:
Dowling-Degos disease 2 (DDD2). Identifiers: Orphanet 79145, MedGen C3809147, MONDO:0014130, OMIM 615327.
Inborn genetic diseases. Identifiers: MedGen C0950123, MeSH D030342.

Allele frequency attached by ClinVar (database versions not stated): ExAC 0.00001; gnomAD exomes 0.00001 and 0.00002; TOPMed 0.00001; gnomAD 0.00004 and 0.00005.
gnomAD v4.1: 24 of 1,614,046 alleles (0.0015%); highest among the groups gnomAD compares: African/African-American, 0.0067%; no homozygotes.

Submissions (2):

Ambry Genetics
Classification: Uncertain significance for Inborn genetic diseases. Last evaluated: 2025-03-20. Review status: criteria provided, single submitter. Criteria: Ambry Variant Classification Scheme 2023. Collection method: clinical testing. Allele origin: germline.

Labcorp Genetics (formerly Invitae), Labcorp
Classification: Uncertain significance for Dowling-Degos disease 2. Last evaluated: 2023-10-13. Review status: criteria provided, single submitter. Criteria: Invitae Variant Classification Sherloc (09022015). Collection method: clinical testing. Allele origin: germline.
Comment: This sequence change replaces arginine, which is basic and polar, with cysteine, which is neutral and slightly polar, at codon 272 of the POFUT1 protein (p.Arg272Cys). This variant is present in population databases (rs773556755, gnomAD 0.01%). This variant has not been reported in the literature in individuals affected with POFUT1-related conditions. ClinVar contains an entry for this variant (Variation ID: 1370881). An algorithm developed to predict the effect of missense changes on protein structure and function (PolyPhen-2) suggests that this variant is likely to be disruptive. In summary, the available evidence is currently insufficient to determine the role of this variant in disease. Therefore, it has been classified as a Variant of Uncertain Significance.

NM_015352.2(POFUT1):c.814C>T (p.Arg272Cys)

Gene: POFUT1 (protein O-fucosyltransferase 1; plus strand). Cytogenetic location: 20q11.21.
Variant type: single nucleotide variant.
Coding change: c.814C>T on transcript NM_015352.2 (MANE Select); coding-DNA position 814, C replaced by T.
Protein change: p.Arg272Cys; replaces arginine 272 with cysteine.
Molecular consequence: missense variant.
Genome position (GRCh38, 1-based): chr20:32,230,897, C>T. VCF-style: chr20-32230897-C-T. GRCh37 (hg19) VCF-style: chr20-30818700-C-T.
Other names: c.814C>T (NM_015352.1); short protein forms R272C.
Identifiers: ClinVar variation 1370881 (VCV001370881.7), dbSNP rs773556755, ClinGen allele CA9807401.